The following is an entry in ClinVar:

NM_000038.6(APC):c.5720C>T (p.Ala1907Val)

Gene: APC (APC regulator of Wnt signaling pathway; plus strand). Cytogenetic location: 5q22.2.
Variant type: single nucleotide variant.
Coding change: c.5720C>T on transcript NM_000038.6 (MANE Select); coding-DNA position 5720, C replaced by T.
Protein change: p.Ala1907Val; replaces alanine 1907 with valine.
Molecular consequence: missense variant. On other transcripts: non-coding transcript variant (2).
Genome position (GRCh38, 1-based): chr5:112,841,314, C>T. VCF-style: chr5-112841314-C-T. GRCh37 (hg19) VCF-style: chr5-112177011-C-T.
Other names: c.5666C>T, p.Ala1889Val (NM_001127511.3); c.5720C>T, p.Ala1907Val (NM_001354895.2, NM_001407450.1, NM_001127510.3); c.5774C>T, p.Ala1925Val (NM_001354896.2, NM_001407447.1, NM_001407448.1 and 1 more transcripts); c.5750C>T, p.Ala1917Val (NM_001354897.2); c.5645C>T, p.Ala1882Val (NM_001354898.2); c.5636C>T, p.Ala1879Val (NM_001354899.2); c.5597C>T, p.Ala1866Val (NM_001354900.2); c.5543C>T, p.Ala1848Val (NM_001354901.2, NM_001407453.1); and 12 more; short protein forms A1882V, A1900V, A1917V, A1935V, A1848V, A1897V, A1523V, A1624V.
Identifiers: ClinVar variation 4775658 (VCV004775658.2).

ClinVar aggregate classification (germline): Uncertain significance. Review status: criteria provided, multiple submitters, no conflicts (2 of 4 stars). 2 submissions from 2 submitters: Uncertain significance (2). Last evaluated 2026-07-15.

Conditions:
Familial adenomatous polyposis 1 (FAP1). Also called: FAMILIAL ADENOMATOUS POLYPOSIS 1, ATTENUATED; POLYPOSIS, ADENOMATOUS INTESTINAL. Identifiers: MedGen C2713442, MONDO:0021056, OMIM 175100. Disease mechanism: loss of function.
Hereditary cancer-predisposing syndrome. Also called: Hereditary Cancer Syndrome; Hereditary neoplastic syndrome; Neoplastic Syndromes, Hereditary; Tumor predisposition. Identifiers: Orphanet 140162, MedGen C0027672, MeSH D009386, MONDO:0015356.

gnomAD v4.1: 3 of 1,613,978 alleles (0.00019%); highest among the groups gnomAD compares: South Asian, 0.0033%; no homozygotes.

Submissions (2):

Ambry Genetics
Classification: Uncertain significance for Hereditary cancer-predisposing syndrome. Last evaluated: 2026-07-15. Review status: criteria provided, single submitter. Criteria: Ambry Variant Classification Scheme 2023. Collection method: clinical testing. Allele origin: germline.
Comment: The p.A1907V variant (also known as c.5720C>T), located in coding exon 15 of the APC gene, results from a C to T substitution at nucleotide position 5720. The alanine at codon 1907 is replaced by valine, an amino acid with similar properties. This amino acid position is not well conserved in available vertebrate species. In addition, in silico predictors for this gene do not accurately predict pathogenicity. Missense variants in APC are not a common cause of disease (Spier I et al. Genet Med. 2024 Feb;26(2):100992). Based on the available evidence, the clinical significance of this variant remains unclear.

Labcorp Genetics (formerly Invitae), Labcorp
Classification: Uncertain significance for Familial adenomatous polyposis 1. Last evaluated: 2025-08-29. Review status: criteria provided, single submitter. Criteria: Invitae Variant Classification Sherloc (09022015). Collection method: clinical testing. Allele origin: germline.
Comment: This sequence change replaces alanine, which is neutral and non-polar, with valine, which is neutral and non-polar, at codon 1907 of the APC protein (p.Ala1907Val). This variant is not present in population databases (gnomAD no frequency). This variant has not been reported in the literature in individuals affected with APC-related conditions. Invitae Evidence Modeling of protein sequence and biophysical properties (such as structural, functional, and spatial information, amino acid conservation, physicochemical variation, residue mobility, and thermodynamic stability) indicates that this missense variant is not expected to disrupt APC protein function with a negative predictive value of 95%. In summary, the available evidence is currently insufficient to determine the role of this variant in disease. Therefore, it has been classified as a Variant of Uncertain Significance.